The following is an entry in ClinVar:

ClinVar aggregate classification (germline): Benign/Likely benign. Review status: criteria provided, multiple submitters, no conflicts (2 of 4 stars). 2 submissions from 2 submitters: Benign (1); Likely benign (1). Last evaluated 2025-01-08.

Conditions:
Hereditary cancer-predisposing syndrome. Also called: Neoplastic Syndromes, Hereditary; Tumor predisposition; Hereditary Cancer Syndrome; Hereditary neoplastic syndrome. Identifiers: Orphanet 140162, MedGen C0027672, MeSH D009386, MONDO:0015356.
BAP1-related tumor predisposition syndrome (TPDS1). Also called: Tumor susceptibility linked to germline BAP1 mutations; COMMON Syndrome; BAP1 tumor predisposition syndrome; TUMOR PREDISPOSITION SYNDROME 1. Identifiers: Orphanet 289539, MedGen C3280492, MONDO:0013692, OMIM 614327.

Submissions (2):

Ambry Genetics
Classification: Likely benign for Hereditary cancer-predisposing syndrome. Last evaluated: 2025-01-08. Review status: criteria provided, single submitter. Criteria: Ambry Variant Classification Scheme 2023. Collection method: clinical testing. Allele origin: germline.

Myriad Genetics, Inc.
Classification: Benign for BAP1-related tumor predisposition syndrome. Last evaluated: 2024-07-12. Review status: criteria provided, single submitter. Criteria: Myriad Autosomal Dominant, Autosomal Recessive and X-Linked Classification Criteria (2023). Collection method: clinical testing. Allele origin: unknown.
Comment: This variant is considered benign. This variant is a silent/synonymous amino acid change and it is not expected to impact splicing.

NM_004656.4(BAP1):c.408G>A (p.Glu136=)

Gene: BAP1 (BRCA1 associated deubiquitinase 1; minus strand). Cytogenetic location: 3p21.1.
Variant type: single nucleotide variant.
Coding change: c.408G>A on transcript NM_004656.4 (MANE Select); coding-DNA position 408, G replaced by A.
Protein change: p.Glu136=; no amino-acid change (glutamic acid 136 retained).
Molecular consequence: synonymous variant.
Genome position (GRCh38, 1-based): chr3:52,407,428, C>T on the plus strand (G>A on the coding strand, the complement: BAP1 is on the minus strand). VCF-style: chr3-52407428-C-T. GRCh37 (hg19) VCF-style: chr3-52441444-C-T.
Other names: c.408G>A, p.Glu136= (NM_001410772.1).
Identifiers: ClinVar variation 3379214 (VCV003379214.2).